The following is an entry in ClinVar:

NM_080680.3(COL11A2):c.2129C>A (p.Pro710His)

Gene: COL11A2 (collagen type XI alpha 2 chain; minus strand). Cytogenetic location: 6p21.32.
Variant type: single nucleotide variant.
Coding change: c.2129C>A on transcript NM_080680.3 (MANE Select); coding-DNA position 2129, C replaced by A.
Protein change: p.Pro710His; replaces proline 710 with histidine.
Molecular consequence: missense variant.
Genome position (GRCh38, 1-based): chr6:33,176,473, G>T on the plus strand (C>A on the coding strand, the complement: COL11A2 is on the minus strand). VCF-style: chr6-33176473-G-T. GRCh37 (hg19) VCF-style: chr6-33144250-G-T.
Other names: c.1808C>A, p.Pro603His (NM_080679.3); c.1871C>A, p.Pro624His (NM_080681.3); short protein forms P624H, P710H, P603H.
Identifiers: ClinVar variation 1357589 (VCV001357589.8), dbSNP rs2150568988, ClinGen allele CA363650247.

ClinVar aggregate classification (germline): Uncertain significance (1 of 4 stars; one submission).

gnomAD v4.1: 2 of 1,612,394 alleles (0.00012%); highest among the groups gnomAD compares: Admixed American, 0.0017%; no homozygotes.

Submission:

Labcorp Genetics (formerly Invitae), Labcorp
Classification: Uncertain significance. Last evaluated: 2023-05-15. Review status: criteria provided, single submitter. Criteria: Invitae Variant Classification Sherloc (09022015). Collection method: clinical testing. Allele origin: germline.
Comment: Advanced modeling of protein sequence and biophysical properties (such as structural, functional, and spatial information, amino acid conservation, physicochemical variation, residue mobility, and thermodynamic stability) performed at Invitae indicates that this missense variant is not expected to disrupt COL11A2 protein function. ClinVar contains an entry for this variant (Variation ID: 1357589). This variant has not been reported in the literature in individuals affected with COL11A2-related conditions. This variant is not present in population databases (gnomAD no frequency). This sequence change replaces proline, which is neutral and non-polar, with histidine, which is basic and polar, at codon 710 of the COL11A2 protein (p.Pro710His). In summary, the available evidence is currently insufficient to determine the role of this variant in disease. Therefore, it has been classified as a Variant of Uncertain Significance.